The following is an entry in ClinVar:

ClinVar aggregate classification (germline): Uncertain significance (1 of 4 stars; one submission).

Submission:

Labcorp Genetics (formerly Invitae), Labcorp
Classification: Uncertain significance. Last evaluated: 2022-03-11. Review status: criteria provided, single submitter. Criteria: Invitae Variant Classification Sherloc (09022015). Collection method: clinical testing. Allele origin: germline.
Comment: This variant has not been reported in the literature in individuals affected with CHRNA3-related conditions. The frequency data for this variant in the population databases is considered unreliable, as metrics indicate poor data quality at this position in the gnomAD database. This variant, c.64_69dup, results in the insertion of 2 amino acid(s) of the CHRNA3 protein (p.Leu22_Leu23dup), but otherwise preserves the integrity of the reading frame. In summary, the available evidence is currently insufficient to determine the role of this variant in disease. Therefore, it has been classified as a Variant of Uncertain Significance.

NM_000743.5(CHRNA3):c.49CTG[9] (p.Leu23_Ser24insLeuLeu)

Gene: CHRNA3 (cholinergic receptor nicotinic alpha 3 subunit; minus strand). Cytogenetic location: 15q25.1.
Variant type: Microsatellite.
Coding change: c.49CTG[9] on transcript NM_000743.5 (MANE Select); nine copies in a row of the 3-base unit CTG starting at c.49; the reference has seven copies in a row; two copies, 6 bases duplicated.
Protein change: p.Leu23_Ser24insLeuLeu.
Molecular consequence: inframe insertion. On other transcripts: non-coding transcript variant (1).
Genome position (GRCh38, 1-based): chr15:78,620,726-78,620,731, CAGCAG duplicated on the plus strand (CTGCTG on the coding strand, the reverse complement: CHRNA3 is on the minus strand); duplicating any 6 consecutive bases within chr15:78,620,726-78,620,747 gives the same sequence; the position shown is the placement nearest the transcript's 3' end. VCF-style (leftmost placement, unchanged base first): chr15-78620725-A-ACAGCAG. GRCh37 (hg19) VCF-style: chr15-78913067-A-ACAGCAG.
Other names: c.49CTG[9], p.Leu23_Ser24insLeuLeu (NM_001166694.2).
Identifiers: ClinVar variation 1971462 (VCV001971462.3), dbSNP rs60706203, ClinGen allele CA7684656.